The following is an entry in ClinVar:

NM_001111.5(ADAR):c.7C>T (p.Pro3Ser)

Genes: ADAR (adenosine deaminase RNA specific; minus strand), LOC129931512 (ATAC-STARR-seq lymphoblastoid silent region 1364; plus strand). Cytogenetic location: 1q21.3.
Variant type: single nucleotide variant.
Coding change: c.7C>T on transcript NM_001111.5 (MANE Select); coding-DNA position 7, C replaced by T.
Protein change: p.Pro3Ser; replaces proline 3 with serine.
Molecular consequence: missense variant. On other transcripts: 5 prime UTR variant (2), intron variant (4).
Genome position (GRCh38, 1-based): chr1:154,608,000, G>A on the plus strand (C>T on the coding strand, the complement: ADAR is on the minus strand). VCF-style: chr1-154608000-G-A. GRCh37 (hg19) VCF-style: chr1-154580476-G-A.
Other names: c.-743C>T (NM_001365047.1, NM_001365049.1); c.7C>T, p.Pro3Ser (NM_015840.4, NM_015841.4); c.-734-5374C>T (NM_001365046.1); c.43-5374C>T (NM_001365045.1); c.-870-5374C>T (NM_001025107.3); c.-871+751C>T (NM_001365048.1); short protein forms P3S.
Identifiers: ClinVar variation 1018708 (VCV001018708.9), dbSNP rs1313399962, ClinGen allele CA342612243.
Genomic context (GRCh38, chr1:154,608,000, plus strand): 5'-GGTTGTAAACGAACCCAGACGGCGGCGAAGGTCCAAGGCCGGCCCGGCTTACCTGCCGCG[G>A]ATTCATTGCGCCCGCGAGGCATTGCCCGGCCCGACCCGCCGGCGGCACGACCCTGGCCCG-3'
Protein context (NP_001102.3, residues 1-13): MN[Pro3Ser]RQGYSLSGYY

ClinVar aggregate classification (germline): Uncertain significance (1 of 4 stars; one submission).

Conditions:
Aicardi-Goutieres syndrome 6 (AGS6). Identifiers: Orphanet 51, MedGen C3539013, MONDO:0014007, OMIM 615010.
Symmetrical dyschromatosis of extremities (DSH). Also called: DYSCHROMATOSIS SYMMETRICA HEREDITARIA 1; RETICULATE ACROPIGMENTATION OF DOHI; SYMMETRIC DYSCHROMATOSIS OF THE EXTREMITIES; Dyschromatosis symmetrica hereditaria. Identifiers: Orphanet 41, MedGen C0406775, MONDO:0007483, OMIM 127400.

gnomAD v4.1: 2 of 1,606,270 alleles (0.00012%); highest among the groups gnomAD compares: Non-Finnish European, 0.00017%; no homozygotes.

Submission:

Labcorp Genetics (formerly Invitae), Labcorp
Classification: Uncertain significance for Aicardi-Goutieres syndrome 6; Symmetrical dyschromatosis of extremities. Last evaluated: 2024-02-24. Review status: criteria provided, single submitter. Criteria: Invitae Variant Classification Sherloc (09022015). Collection method: clinical testing. Allele origin: germline.
Comment: This sequence change replaces proline, which is neutral and non-polar, with serine, which is neutral and polar, at codon 3 of the ADAR protein (p.Pro3Ser). This variant is not present in population databases (gnomAD no frequency). This variant has not been reported in the literature in individuals affected with ADAR-related conditions. ClinVar contains an entry for this variant (Variation ID: 1018708). An algorithm developed to predict the effect of missense changes on protein structure and function (PolyPhen-2) suggests that this variant is likely to be tolerated. In summary, the available evidence is currently insufficient to determine the role of this variant in disease. Therefore, it has been classified as a Variant of Uncertain Significance.